The following is an entry in ClinVar:

NM_000213.5(ITGB4):c.4558+316G>T

Genes: GALK1 (galactokinase 1; minus strand), ITGB4 (integrin subunit beta 4; plus strand). Cytogenetic location: 17q25.1.
Variant type: single nucleotide variant.
Coding change: c.4558+316G>T on transcript NM_000213.5 (MANE Select); 316 bases into the intron after coding-DNA position 4558, G replaced by T.
Molecular consequence: intron variant. On other transcripts: missense variant (1).
Genome position (GRCh38, 1-based): chr17:75,755,131, G>T. VCF-style: chr17-75755131-G-T. GRCh37 (hg19) VCF-style: chr17-73751212-G-T.
Other names: c.4425G>T, p.Gln1475His (NM_001005619.2); c.4348+316G>T (NM_001005731.3, NM_001438834.1, NM_001321123.2); c.*22+2903C>A (NM_001381985.1); short protein forms Q1475H.
Identifiers: ClinVar variation 4988275 (VCV004988275.1).
Genomic context (GRCh38, chr17:75,755,131, plus strand): 5'-GGAACACGGGAGGAGCAGGCTTCCGCTGTCCTGGGCCCTGGGGTCCCGGAGTCGGGCTCA[G>T]ATGAAAGGGTTCCCCCCTTCCAGGGGCCCACGAGACTCTATAATCCTGGCTGGGAGGCCA-3'

ClinVar aggregate classification (germline): Uncertain significance (1 of 4 stars; one submission).

Conditions:
ITGB4-related disorder. Also called: ITGB4-related condition.

gnomAD v4.1: 20 of 1,611,486 alleles (0.0012%); highest among the groups gnomAD compares: Non-Finnish European, 0.0016%; no homozygotes.

Submission:

PreventionGenetics, part of Exact Sciences
Classification: Uncertain significance for ITGB4-related condition. Last evaluated: 2026-07-22. Review status: criteria provided, single submitter. Criteria: ACMG Guidelines, 2015. Collection method: clinical testing. Allele origin: germline.
Comment: The ITGB4 c.4425G>T variant is predicted to result in the amino acid substitution p.Gln1475His. To our knowledge, this variant has not been reported in the literature. This variant is reported in 0.0041% of alleles in individuals of African descent in gnomAD. At this time, the clinical significance of this variant is uncertain due to the absence of conclusive functional and genetic evidence.